The following is an entry in ClinVar:

NM_138694.4(PKHD1):c.1693+1G>T

Gene: PKHD1 (PKHD1 ciliary IPT domain containing fibrocystin/polyductin; minus strand). Cytogenetic location: 6p12.2.
Variant type: single nucleotide variant.
Coding change: c.1693+1G>T on transcript NM_138694.4 (MANE Select); the canonical splice donor site of the intron after coding-DNA position 1693, G replaced by T.
Molecular consequence: splice donor variant.
Genome position (GRCh38, 1-based): chr6:52,056,697, C>A on the plus strand (G>T on the coding strand, the complement: PKHD1 is on the minus strand). VCF-style: chr6-52056697-C-A. GRCh37 (hg19) VCF-style: chr6-51921495-C-A.
Other names: c.1693+1G>T (NM_138694.3, NM_170724.3).
Identifiers: ClinVar variation 1482852 (VCV001482852.10), dbSNP rs2128209217, ClinGen allele CA364424854.

ClinVar aggregate classification (germline): Pathogenic/Likely pathogenic. Review status: criteria provided, multiple submitters, no conflicts (2 of 4 stars). 3 submissions from 3 submitters: Pathogenic (1); Likely pathogenic (2). Last evaluated 2025-07-17.

Conditions:
Polycystic kidney disease 4 (PKD4). Also called: POLYCYSTIC KIDNEY DISEASE 4 WITH OR WITHOUT POLYCYSTIC LIVER DISEASE; POLYCYSTIC KIDNEY AND HEPATIC DISEASE 1; POLYCYSTIC KIDNEY DISEASE, INFANTILE, TYPE I; PKD3; Autosomal Recessive Polycystic Kidney Disease – PKHD1. Identifiers: MedGen C4540575, MONDO:0033004, OMIM 263200.
Autosomal recessive polycystic kidney disease (ARPKD). Also called: AR polycystic kidney disease. Identifiers: Orphanet 731, Orphanet 8378, MedGen C0085548, MeSH D017044, MONDO:0009889.

Submissions (3):

Natera, Inc.
Classification: Likely pathogenic for Autosomal recessive polycystic kidney disease. Last evaluated: 2025-07-17. Review status: criteria provided, single submitter. Criteria: Natera Variant Classification Schema (03/2026). Collection method: clinical testing. Allele origin: germline.
Comment: The c.1693+1G>T variant in PKHD1 is a canonical splice donor site variant predicted to affect pre-mRNA splicing, which may result in an abnormal transcript and altered protein product. This variant is expected to result in nonsense mediated decay, truncation, or a dysfunctional protein product. This variant is rare in the general population with a frequency below the threshold expected for the associated phenotype(s). Given the available evidence, this variant is classified as Likely Pathogenic.

Baylor Genetics
Classification: Pathogenic for Polycystic kidney disease 4. Last evaluated: 2023-03-28. Review status: criteria provided, single submitter. Criteria: ACMG Guidelines, 2015. Collection method: clinical testing. Allele origin: unknown.

Labcorp Genetics (formerly Invitae), Labcorp
Classification: Likely pathogenic for Autosomal recessive polycystic kidney disease. Last evaluated: 2021-02-13. Review status: criteria provided, single submitter. Criteria: Invitae Variant Classification Sherloc (09022015). Collection method: clinical testing. Allele origin: germline.
Comment: In summary, the currently available evidence indicates that the variant is pathogenic, but additional data are needed to prove that conclusively. Therefore, this variant has been classified as Likely Pathogenic. Algorithms developed to predict the effect of sequence changes on RNA splicing suggest that this variant may disrupt the consensus splice site, but this prediction has not been confirmed by published transcriptional studies. This variant has not been reported in the literature in individuals with PKHD1-related conditions. This variant is not present in population databases (ExAC no frequency). This sequence change affects a donor splice site in intron 18 of the PKHD1 gene. It is expected to disrupt RNA splicing. Variants that disrupt the donor or acceptor splice site typically lead to a loss of protein function (PMID: 16199547), and loss-of-function variants in PKHD1 are known to be pathogenic (PMID: 19940839).

Literature cited by the submitters: PubMed 16199547 (cited by Labcorp Genetics (formerly Invitae), Labcorp); PubMed 19940839 (cited by Labcorp Genetics (formerly Invitae), Labcorp).